The following is an entry in ClinVar:

ClinVar aggregate classification (germline): Uncertain significance. Review status: criteria provided, multiple submitters, no conflicts (2 of 4 stars). 3 submissions from 3 submitters: Uncertain significance (3). Last evaluated 2025-10-29.

Conditions:
Multiple endocrine neoplasia type 4. Also called: MULTIPLE ENDOCRINE NEOPLASIA, TYPE IV. Identifiers: Orphanet 276152, MedGen C1970712, MONDO:0012552, OMIM 610755.
Hereditary cancer-predisposing syndrome. Also called: Neoplastic Syndromes, Hereditary; Hereditary Cancer Syndrome; Tumor predisposition; Hereditary neoplastic syndrome. Identifiers: Orphanet 140162, MedGen C0027672, MeSH D009386, MONDO:0015356.

gnomAD v4.1: 2 of 1,614,232 alleles (0.00012%); highest among the groups gnomAD compares: Admixed American, 0.0033%; no homozygotes.

Submissions (3):

Labcorp Genetics (formerly Invitae), Labcorp
Classification: Uncertain significance for Multiple endocrine neoplasia type 4. Last evaluated: 2025-10-29. Review status: criteria provided, single submitter. Criteria: Invitae Variant Classification Sherloc (09022015). Collection method: clinical testing. Allele origin: germline.
Comment: This sequence change replaces glutamic acid, which is acidic and polar, with lysine, which is basic and polar, at codon 54 of the CDKN1B protein (p.Glu54Lys). This variant is present in population databases (no rsID available, gnomAD 0.006%). This variant has not been reported in the literature in individuals affected with CDKN1B-related conditions. ClinVar contains an entry for this variant (Variation ID: 1441164). An algorithm developed to predict the effect of missense changes on protein structure and function (PolyPhen-2) suggests that this variant is likely to be disruptive. In summary, the available evidence is currently insufficient to determine the role of this variant in disease. Therefore, it has been classified as a Variant of Uncertain Significance.

Fulgent Genetics
Classification: Uncertain significance for Multiple endocrine neoplasia type 4. Last evaluated: 2024-06-12. Review status: criteria provided, single submitter. Criteria: ACMG Guidelines, 2015. Collection method: clinical testing. Allele origin: germline.

Ambry Genetics
Classification: Uncertain significance for Hereditary cancer-predisposing syndrome. Last evaluated: 2021-12-29. Review status: criteria provided, single submitter. Criteria: Ambry Variant Classification Scheme 2023. Collection method: clinical testing. Allele origin: germline.
Comment: The p.E54K variant (also known as c.160G>A), located in coding exon 1 of the CDKN1B gene, results from a G to A substitution at nucleotide position 160. The glutamic acid at codon 54 is replaced by lysine, an amino acid with similar properties. This amino acid position is well conserved in available vertebrate species. In addition, the in silico prediction for this alteration is inconclusive. Since supporting evidence is limited at this time, the clinical significance of this alteration remains unclear.

NM_004064.5(CDKN1B):c.160G>A (p.Glu54Lys)

Gene: CDKN1B (cyclin dependent kinase inhibitor 1B; plus strand). Cytogenetic location: 12p13.1.
Variant type: single nucleotide variant.
Coding change: c.160G>A on transcript NM_004064.5 (MANE Select); coding-DNA position 160, G replaced by A.
Protein change: p.Glu54Lys; replaces glutamic acid 54 with lysine.
Molecular consequence: missense variant.
Genome position (GRCh38, 1-based): chr12:12,717,999, G>A. VCF-style: chr12-12717999-G-A. GRCh37 (hg19) VCF-style: chr12-12870933-G-A.
Other names: short protein forms E54K.
Identifiers: ClinVar variation 1441164 (VCV001441164.11), dbSNP rs1275755910, ClinGen allele CA383969096.